The following is an entry in ClinVar:

NM_000463.3(UGT1A1):c.1544G>A (p.Arg515Gln)

Genes: UGT1A5 (UDP glucuronosyltransferase family 1 member A5; plus strand), UGT1A4 (UDP glucuronosyltransferase family 1 member A4; plus strand), UGT1A8 (UDP glucuronosyltransferase family 1 member A8; plus strand), UGT1A10 (UDP glucuronosyltransferase family 1 member A10; plus strand), UGT1A (UDP glucuronosyltransferase family 1 member A complex locus; plus strand) and 5 more. Cytogenetic location: 2q37.1.
Variant type: single nucleotide variant.
Coding change: c.1544G>A on transcript NM_000463.3 (MANE Select); coding-DNA position 1544, G replaced by A.
Protein change: p.Arg515Gln; replaces arginine 515 with glutamine.
Molecular consequence: missense variant.
Genome position (GRCh38, 1-based): chr2:233,772,501, G>A. VCF-style: chr2-233772501-G-A. GRCh37 (hg19) VCF-style: chr2-234681147-G-A.
Other names: c.1535G>A, p.Arg512Gln (NM_019075.4, NM_019076.5, NM_019077.3 and 1 more transcripts); c.1541G>A, p.Arg514Gln (NM_001072.4); c.740G>A, p.Arg247Gln (NM_205862.3); c.1547G>A, p.Arg516Gln (NM_019078.2, NM_007120.3, NM_019093.4); short protein forms R247Q, R512Q, R514Q, R515Q, R516Q.
Identifiers: ClinVar variation 3367007 (VCV003367007.1).
Genomic context (GRCh38, chr2:233,772,501, plus strand): 5'-TCTTGGCCGTCGTGCTGACAGTGGCCTTCATCACCTTTAAATGTTGTGCTTATGGCTACC[G>A]GAAATGCTTGGGGAAAAAAGGGCGAGTTAAGAAAGCCCACAAATCCAAGACCCATTGAGA-3'
Protein context (NP_000454.1, residues 505-525): ITFKCCAYGY[Arg515Gln]KCLGKKGRVK

ClinVar aggregate classification (germline): Uncertain significance (1 of 4 stars; one submission).

Conditions:
Lucey-Driscoll syndrome (HBLRTFN). Also called: Transient familial neonatal hyperbilirubinemia. Identifiers: Orphanet 2312, MedGen C0270210, MONDO:0009383, OMIM 237900.

gnomAD v4.1: 29 of 1,614,036 alleles (0.0018%); highest among the groups gnomAD compares: South Asian, 0.0055%; no homozygotes.

Submission:

Neuberg Centre For Genomic Medicine, NCGM
Classification: Uncertain significance for Lucey-Driscoll syndrome. Last evaluated: 2023-05-20. Review status: criteria provided, single submitter. Criteria: ACMG Guidelines, 2015. Collection method: clinical testing. Allele origin: germline. Inheritance: Autosomal dominant inheritance. Affected: yes.
Comment: The observed missense variant c.1544G>A(p.Arg515Gln) in UGT1A1 gene has not been reported previously as a pathogenic variantnor as a benign variant, to our knowledge. The c.1544G>A variant has 0.002% allele frequency in gnomAD Exomes. The amino acidArginine at position 515 is changed to a Glutamine changing protein sequence and it might alter its composition and physico-chemical properties. The amino acid change p.Arg515Gln in UGT1A1 is predicted as conserved by GERP++ and PhyloP across 100vertebrates. Multiple lines of computational evidence (SIFT and Mutation Taster) predict no damaging effect on protein structureand function for this variant. For these reasons, this variant has been classified as Uncertain Significance.